The following is an entry in ClinVar:

NC_000009.11:g.(?_141014597)_(141016451_?)dup

Gene: CACNA1B (calcium voltage-gated channel subunit alpha1 B; plus strand). Cytogenetic location: 9q34.3.
Variant type: Duplication.
Identifiers: ClinVar variation 2423366 (VCV002423366.3).

ClinVar aggregate classification (germline): Uncertain significance (1 of 4 stars; one submission).

Submission:

Labcorp Genetics (formerly Invitae), Labcorp
Classification: Uncertain significance. Last evaluated: 2022-10-30. Review status: criteria provided, single submitter. Criteria: Invitae Variant Classification Sherloc (09022015). Collection method: clinical testing. Allele origin: germline.
Comment: This variant results in a copy number gain of the genomic region encompassing exon(s) 45-47 of the CACNA1B gene. This region includes the termination codon of the gene. This copy number gain extends beyond the assayed region for this gene and therefore may encompass additional genes. As the precise location of this event is unknown, it may be in tandem or it may be located elsewhere in the genome. This variant has not been reported in the literature in individuals affected with CACNA1B-related conditions. In summary, the available evidence is currently insufficient to determine the role of this variant in disease. Therefore, it has been classified as a Variant of Uncertain Significance.